The following is an entry in ClinVar:

ClinVar aggregate classification (germline): Pathogenic. Review status: criteria provided, multiple submitters, no conflicts (2 of 4 stars). 3 submissions from 3 submitters: Pathogenic (2). 1 of the submissions does not count toward it. Last evaluated 2023-09-10.

Conditions:
Aganglionic megacolon (HSCR). Also called: Hirschsprung's disease; Hirschsprung disease. Identifiers: Orphanet 388, MedGen C0019569, MeSH D006627, MONDO:0018309, HP:0002251.
Multiple endocrine neoplasia, type 2 (MEN2). Identifiers: Orphanet 653, MedGen C4048306, MONDO:0019003. Disease mechanism: gain of function.

Submissions (3):

Labcorp Genetics (formerly Invitae), Labcorp
Classification: Pathogenic for Multiple endocrine neoplasia, type 2. Last evaluated: 2023-09-10. Review status: criteria provided, single submitter. Criteria: Invitae Variant Classification Sherloc (09022015). Collection method: clinical testing. Allele origin: germline.
Comment: This sequence change creates a premature translational stop signal (p.Pro956Serfs*3) in the RET gene. It is expected to result in an absent or disrupted protein product. Loss-of-function variants in RET are known to be pathogenic (PMID: 22174939, 22648184). This variant is not present in population databases (gnomAD no frequency). For these reasons, this variant has been classified as Pathogenic. ClinVar contains an entry for this variant (Variation ID: 599634). This premature translational stop signal has been observed in individual(s) with Hirschsprung disease (PMID: 30031151).

GeneDx
Classification: Pathogenic. Last evaluated: 2023-08-28. Review status: criteria provided, single submitter. Criteria: GeneDx Variant Classification Process June 2021. Collection method: clinical testing. Allele origin: germline. Affected: yes.
Comment: Not observed at significant frequency in large population cohorts (gnomAD); Frameshift variant predicted to result in protein truncation or nonsense mediated decay in a gene for which loss of function is a known mechanism of disease; Also known as 3059insT; This variant is associated with the following publications: (PMID: 7581377, 30031151)

Human Genomics Unit, Institute for molecular medicine Finland (FIMM)
Classification: Pathogenic for Hirschsprung disease. Last evaluated: 2013-01-01. Review status: no assertion criteria provided. Collection method: research. Allele origin: inherited. Affected: yes. Observed: 3 variant alleles. Not counted in ClinVar's aggregate classification.

Literature cited by the submitters: PubMed 22174939 (cited by Labcorp Genetics (formerly Invitae), Labcorp); PubMed 22648184 (cited by Labcorp Genetics (formerly Invitae), Labcorp); PubMed 30031151 (cited by Labcorp Genetics (formerly Invitae), Labcorp).

NM_020975.6(RET):c.2865dup (p.Pro956fs)

Gene: RET (ret proto-oncogene; plus strand). Cytogenetic location: 10q11.21.
Variant type: Duplication.
Coding change: c.2865dup on transcript NM_020975.6 (MANE Select); coding-DNA position 2865, one base duplicated (T; older notation c.2865dupT).
Protein change: p.Pro956fs; shifts the reading frame from proline 956.
Molecular consequence: frameshift variant.
Genome position (GRCh38, 1-based): chr10:43,123,734, T duplicated; the last of 2 consecutive T bases (chr10:43,123,733-43,123,734); duplicating either gives the same sequence. VCF-style (leftmost placement, unchanged base first): chr10-43123732-A-AT. GRCh37 (hg19) VCF-style: chr10-43619180-A-AT.
Other names: c.2139dup, p.Pro714Serfs (NM_001406778.1, NM_001406775.1, NM_001406776.1 and 1 more transcripts); c.1968dup, p.Pro657Serfs (NM_001406779.1, NM_001406780.1, NM_001406781.1 and 1 more transcripts); c.1839dup, p.Pro614Serfs (NM_001406783.1, NM_001406786.1); c.1875dup, p.Pro626Serfs (NM_001406784.1); c.1848dup, p.Pro617Serfs (NM_001406785.1); c.1833dup, p.Pro612Serfs (NM_001406787.1); c.1680dup, p.Pro561Serfs (NM_001406788.1, NM_001406789.1, NM_001406790.1); c.1560dup, p.Pro521Serfs (NM_001406791.1); and 10 more; short protein forms P956fs, P702fs.
Identifiers: ClinVar variation 599634 (VCV000599634.7), dbSNP rs1564500612, ClinGen allele CA913189640.